The following is an entry in ClinVar:

NM_000051.4(ATM):c.299_307del (p.Leu100_Lys102del)

Gene: ATM (ATM serine/threonine kinase; plus strand). Cytogenetic location: 11q22.3.
Variant type: Deletion.
Coding change: c.299_307del on transcript NM_000051.4 (MANE Select); coding-DNA positions 299 to 307, 9 bases deleted (TGGTCAAAT; older notation c.299_307delTGGTCAAAT).
Protein change: p.Leu100_Lys102del.
Molecular consequence: inframe deletion.
Genome position (GRCh38, 1-based): chr11:108,229,291-108,229,299, TGGTCAAAT deleted; deleting any 9 consecutive bases within chr11:108,229,290-108,229,299 gives the same sequence; the c. name uses the placement nearest the transcript's 3' end. VCF-style (leftmost placement, unchanged base first): chr11-108229289-TTTGGTCAAA-T. GRCh37 (hg19) VCF-style: chr11-108100016-TTTGGTCAAA-T.
Other names: c.299_307del, p.Leu100_Lys102del (NM_001351834.2, NM_001351835.2, NM_001351836.2); c.299_307delTGGTCAAAT (NM_000051.3).
Identifiers: ClinVar variation 246225 (VCV000246225.2), dbSNP rs879254161, ClinGen allele CA10584314.

ClinVar aggregate classification (germline): Uncertain significance (1 of 4 stars; one submission).

Submission:

GeneDx
Classification: Uncertain significance. Last evaluated: 2017-10-10. Review status: criteria provided, single submitter. Criteria: GeneDx Variant Classification (06012015). Collection method: clinical testing. Allele origin: germline. Affected: yes.
Comment: This in-frame deletion of 9 nucleotides in ATM is denoted c.299_307delTGGTCAAAT at the cDNA level and p.Leu100_K102del (L100_K102del) at the protein level. The normal sequence, with the bases that are deleted in braces, is AGTT{TGGTCAAAT}ACTT. This deletion occurs in a region that is conserved in mammals and is not located in a known functional domain (Tavtigian 2009, Stracker 2013, UniProt). This variant has not, to our knowledge, been published in the literature as pathogenic or benign. Since in-frame deletions may or may not inhibit proper protein functioning, the clinical significance of this finding remains unclear at this time and we consider ATM Leu100_K102del to be a variant of uncertain significance.